The following is an entry in ClinVar:

ClinVar aggregate classification (germline): Likely benign. Review status: criteria provided, multiple submitters, no conflicts (2 of 4 stars). 5 submissions from 5 submitters: Likely benign (4). 1 of the submissions does not count toward it. Last evaluated 2026-04-20.

Conditions:
ATP7B-related disorder. Also called: ATP7B-related condition.
Wilson disease (WND). Also called: Wilson's disease. Identifiers: Orphanet 905, MedGen C0019202, MONDO:0010200, OMIM 277900. Disease mechanism: loss of function.

Allele frequency attached by ClinVar (database versions not stated): ExAC 0.00002; gnomAD 0.00002 and 0.00003; gnomAD exomes 0.00002 and 0.00003; TOPMed 0.00003; ESP Exome Variant Server 0.00008.
gnomAD v4.1: 43 of 1,614,042 alleles (0.0027%); highest among the groups gnomAD compares: Admixed American, 0.0033%; no homozygotes.

Submissions (5):

PreventionGenetics, part of Exact Sciences
Classification: Likely benign for ATP7B-related condition. Last evaluated: 2026-04-20. Review status: criteria provided, single submitter. Criteria: ACMG Guidelines, 2015. Collection method: clinical testing. Allele origin: germline.
Comment: This variant is classified as likely benign based on ACMG/AMP sequence variant interpretation guidelines (Richards et al. 2015 PMID: 25741868, with internal and published modifications).

Labcorp Genetics (formerly Invitae), Labcorp
Classification: Likely benign for Wilson disease. Last evaluated: 2026-01-11. Review status: criteria provided, single submitter. Criteria: Invitae Variant Classification Sherloc (09022015). Collection method: clinical testing. Allele origin: germline.

All of Us Research Program, National Institutes of Health
Classification: Likely benign for Wilson disease. Last evaluated: 2023-06-28. Review status: criteria provided, single submitter. Criteria: ACMG Guidelines, 2015. Collection method: clinical testing. Allele origin: germline. Inheritance: Autosomal recessive inheritance. Observed: 3 variant alleles, 3 heterozygotes.
Comment: This study involves interpretation of variants in research participants for the purpose of population health screening. Participant phenotype was not available at the time of variant classification. Additional details can be found in publication PMID: 35346344, PMCID: PMC8962531

Color Diagnostics, LLC DBA Color Health
Classification: Likely benign for Wilson disease. Last evaluated: 2022-04-28. Review status: criteria provided, single submitter. Criteria: ACMG Guidelines, 2015. Collection method: clinical testing. Allele origin: germline.

Natera, Inc.
Classification: Uncertain significance for Wilson disease. Last evaluated: 2020-11-25. Review status: no assertion criteria provided. Collection method: clinical testing. Allele origin: germline. Not counted in ClinVar's aggregate classification.

NM_000053.4(ATP7B):c.3189G>A (p.Ala1063=)

Gene: ATP7B (ATPase copper transporting beta; minus strand). Cytogenetic location: 13q14.3.
Variant type: single nucleotide variant.
Coding change: c.3189G>A on transcript NM_000053.4 (MANE Select); coding-DNA position 3189, G replaced by A.
Protein change: p.Ala1063=; no amino-acid change (alanine 1063 retained).
Molecular consequence: synonymous variant.
Genome position (GRCh38, 1-based): chr13:51,944,163, C>T on the plus strand (G>A on the coding strand, the complement: ATP7B is on the minus strand). VCF-style: chr13-51944163-C-T. GRCh37 (hg19) VCF-style: chr13-52518299-C-T.
Other names: c.2568G>A, p.Ala856= (NM_001005918.3); c.2856G>A, p.Ala952= (NM_001243182.2); c.2955G>A, p.Ala985= (NM_001330578.2); c.2937G>A, p.Ala979= (NM_001330579.2).
Identifiers: ClinVar variation 966179 (VCV000966179.12), dbSNP rs370527611, ClinGen allele CA6988783.